The following is an entry in ClinVar:

NM_024757.5(EHMT1):c.139C>T (p.His47Tyr)

Gene: EHMT1 (euchromatic histone lysine methyltransferase 1; plus strand). Cytogenetic location: 9q34.3.
Variant type: single nucleotide variant.
Coding change: c.139C>T on transcript NM_024757.5 (MANE Select); coding-DNA position 139, C replaced by T.
Protein change: p.His47Tyr; replaces histidine 47 with tyrosine.
Molecular consequence: missense variant.
Genome position (GRCh38, 1-based): chr9:137,716,679, C>T. VCF-style: chr9-137716679-C-T. GRCh37 (hg19) VCF-style: chr9-140611131-C-T.
Other names: c.139C>T, p.His47Tyr (NM_001145527.2, NM_001354263.2, NM_001354611.2); c.46C>T, p.His16Tyr (NM_001354259.2, NM_001354612.2); short protein forms H47Y, H16Y.
Identifiers: ClinVar variation 4778350 (VCV004778350.1).

ClinVar aggregate classification (germline): Uncertain significance (1 of 4 stars; one submission).

Conditions:
Kleefstra syndrome 1 (KLEFS1). Identifiers: Orphanet 261494, MedGen C0795833, MONDO:0027407, OMIM 610253.

Submission:

Labcorp Genetics (formerly Invitae), Labcorp
Classification: Uncertain significance for Kleefstra syndrome 1. Last evaluated: 2025-05-10. Review status: criteria provided, single submitter. Criteria: Invitae Variant Classification Sherloc (09022015). Collection method: clinical testing. Allele origin: germline.
Comment: This sequence change replaces histidine, which is basic and polar, with tyrosine, which is neutral and polar, at codon 47 of the EHMT1 protein (p.His47Tyr). This variant is present in population databases (no rsID available, gnomAD 0.003%). This variant has not been reported in the literature in individuals affected with EHMT1-related conditions. An algorithm developed to predict the effect of missense changes on protein structure and function outputs the following: PolyPhen-2: "Benign". The tyrosine amino acid residue is found in multiple mammalian species, which suggests that this missense change does not adversely affect protein function. In summary, the available evidence is currently insufficient to determine the role of this variant in disease. Therefore, it has been classified as a Variant of Uncertain Significance.